The following is an entry in ClinVar:

ClinVar aggregate classification (germline): Conflicting classifications of pathogenicity. Review status: criteria provided, conflicting classifications (1 of 4 stars). 4 submissions from 4 submitters: Uncertain significance (3); Likely benign (1). Last evaluated 2025-08-31.

Conditions:
Inborn genetic diseases. Identifiers: MedGen C0950123, MeSH D030342.
Dyskeratosis congenita. Identifiers: Orphanet 1775, MedGen C0265965, MONDO:0015780.

Allele frequency attached by ClinVar (database versions not stated): gnomAD exomes 0.00002 and 0.00007; ExAC 0.00007; ESP Exome Variant Server 0.00025; gnomAD 0.00025 and 0.00028; TOPMed 0.00028; 1000 Genomes Project 30x 0.00047; 1000 Genomes Project 0.00060.
gnomAD v4.1: 64 of 1,614,110 alleles (0.004%); highest among the groups gnomAD compares: African/African-American, 0.08%; no homozygotes.

Submissions (4):

Ambry Genetics
Classification: Uncertain significance for Inborn genetic diseases. Last evaluated: 2025-08-31. Review status: criteria provided, single submitter. Criteria: Ambry Variant Classification Scheme 2023. Collection method: clinical testing. Allele origin: germline.

Labcorp Genetics (formerly Invitae), Labcorp
Classification: Likely benign for Dyskeratosis congenita. Last evaluated: 2025-01-15. Review status: criteria provided, single submitter. Criteria: Invitae Variant Classification Sherloc (09022015). Collection method: clinical testing. Allele origin: germline.

Sema4
Classification: Uncertain significance for Dyskeratosis congenita. Last evaluated: 2021-08-09. Review status: criteria provided, single submitter. Criteria: Sema4 Curation Guidelines. Collection method: curation. Allele origin: germline.
Comment: The CTC1 c.2828C>T (p.P943L) variant has not been reported in the literature to our knowledge. It was observed in 25/24200 chromosomes of the African subpopulation, with no homozygotes, in the large and broad cohorts of the Genome Aggregation Database (PMID: 32461654) and has been reported in ClinVar (Variation ID 641506). Functional studies have not been performed, and in silico predictions of the variant's effect on protein function are inconclusive. The evidence is insufficient to meet ACMG/AMP criteria for classifying the variant as benign or pathogenic. Thus, the clinical significance of this variant is currently uncertain.

Breakthrough Genomics
Classification: Uncertain significance. Review status: criteria provided, single submitter. Criteria: ACMG Guidelines, 2015. Collection method: not provided. Allele origin: germline. Inheritance: Autosomal recessive inheritance. Affected: yes.

NM_025099.6(CTC1):c.2828C>T (p.Pro943Leu)

Gene: CTC1 (CST telomere replication complex component 1; minus strand). Cytogenetic location: 17p13.1.
Variant type: single nucleotide variant.
Coding change: c.2828C>T on transcript NM_025099.6 (MANE Select); coding-DNA position 2828, C replaced by T.
Protein change: p.Pro943Leu; replaces proline 943 with leucine.
Molecular consequence: missense variant. On other transcripts: non-coding transcript variant (1).
Genome position (GRCh38, 1-based): chr17:8,230,399, G>A on the plus strand (C>T on the coding strand, the complement: CTC1 is on the minus strand). VCF-style: chr17-8230399-G-A. GRCh37 (hg19) VCF-style: chr17-8133717-G-A.
Other names: short protein forms P943L.
Identifiers: ClinVar variation 641506 (VCV000641506.12), dbSNP rs376216833, ClinGen allele CA8371959.